The following is an entry in ClinVar:

NM_205836.3(FBXO38):c.86A>G (p.Tyr29Cys)

Gene: FBXO38 (F-box protein 38; plus strand). Cytogenetic location: 5q32.
Variant type: single nucleotide variant.
Coding change: c.86A>G on transcript NM_205836.3 (MANE Select); coding-DNA position 86, A replaced by G.
Protein change: p.Tyr29Cys; replaces tyrosine 29 with cysteine.
Molecular consequence: missense variant.
Genome position (GRCh38, 1-based): chr5:148,394,862, A>G. VCF-style: chr5-148394862-A-G. GRCh37 (hg19) VCF-style: chr5-147774425-A-G.
Other names: c.86A>G, p.Tyr29Cys (NM_001271723.2, NM_030793.5); short protein forms Y29C.
Identifiers: ClinVar variation 1491278 (VCV001491278.8), dbSNP rs775196268, ClinGen allele CA3496952.

ClinVar aggregate classification (germline): Uncertain significance (1 of 4 stars; one submission).

Conditions:
Distal hereditary motor neuropathy type 2. Identifiers: Orphanet 139525, MedGen C3711384, MeSH C580044, MONDO:0015352.

Allele frequency attached by ClinVar (database versions not stated): ExAC 0.00001; gnomAD 0.00001; gnomAD exomes 0.00001 and 0.00002; TOPMed 0.00002.
gnomAD v4.1: 15 of 1,599,918 alleles (0.00094%); highest among the groups gnomAD compares: Admixed American, 0.0052%; no homozygotes.

Submission:

Labcorp Genetics (formerly Invitae), Labcorp
Classification: Uncertain significance for Distal hereditary motor neuropathy type 2. Last evaluated: 2024-02-15. Review status: criteria provided, single submitter. Criteria: Invitae Variant Classification Sherloc (09022015). Collection method: clinical testing. Allele origin: germline.
Comment: This sequence change replaces tyrosine, which is neutral and polar, with cysteine, which is neutral and slightly polar, at codon 29 of the FBXO38 protein (p.Tyr29Cys). This variant is present in population databases (rs775196268, gnomAD 0.007%). This variant has not been reported in the literature in individuals affected with FBXO38-related conditions. ClinVar contains an entry for this variant (Variation ID: 1491278). Advanced modeling of protein sequence and biophysical properties (such as structural, functional, and spatial information, amino acid conservation, physicochemical variation, residue mobility, and thermodynamic stability) has been performed at Invitae for this missense variant, however the output from this modeling did not meet the statistical confidence thresholds required to predict the impact of this variant on FBXO38 protein function. In summary, the available evidence is currently insufficient to determine the role of this variant in disease. Therefore, it has been classified as a Variant of Uncertain Significance.